The following is an entry in ClinVar:

ClinVar aggregate classification (germline): Pathogenic/Likely pathogenic. Review status: criteria provided, multiple submitters, no conflicts (2 of 4 stars). 3 submissions from 3 submitters: Pathogenic (1); Likely pathogenic (1). 1 of the submissions does not count toward it. Last evaluated 2023-08-04.

Conditions:
Autosomal recessive nonsyndromic hearing loss 3. Also called: NEUROSENSORY NONSYNDROMIC RECESSIVE DEAFNESS 3. Identifiers: Orphanet 90636, MedGen C1838263, MONDO:0010860, OMIM 600316.
Hearing impairment. Also called: Impaired Hearing. Identifiers: MedGen C1384666, MONDO:0005365, HP:0000365.

Submissions (3):

Labcorp Genetics (formerly Invitae), Labcorp
Classification: Pathogenic. Last evaluated: 2023-08-04. Review status: criteria provided, single submitter. Criteria: Invitae Variant Classification Sherloc (09022015). Collection method: clinical testing. Allele origin: germline.
Comment: This sequence change creates a premature translational stop signal (p.Phe141Valfs*87) in the MYO15A gene. It is expected to result in an absent or disrupted protein product. Loss-of-function variants in MYO15A are known to be pathogenic (PMID: 17546645). This variant is not present in population databases (gnomAD no frequency). This premature translational stop signal has been observed in individual(s) with nonsyndromic deafness (PMID: 33524517). This variant is also known as c.414dupA. ClinVar contains an entry for this variant (Variation ID: 522631). For these reasons, this variant has been classified as Pathogenic.

Genomic Research Center, Shahid Beheshti University of Medical Sciences
Classification: Likely pathogenic for Autosomal recessive nonsyndromic hearing loss 3. Last evaluated: 2017-12-18. Review status: criteria provided, single submitter. Criteria: ACMG Guidelines, 2015. Collection method: clinical testing. Allele origin: inherited. Affected: yes.

Yale Center for Mendelian Genomics, Yale University
Classification: Likely pathogenic for Hearing impairment. Last evaluated: 2021-01-29. Review status: no assertion criteria provided. Collection method: literature only. Allele origin: germline. Affected: yes. Observed: 1 homozygote. Study: Yale Center for Mendelian Genomics. Not counted in ClinVar's aggregate classification.

Literature cited by the submitters: PubMed 17546645 (cited by Labcorp Genetics (formerly Invitae), Labcorp); PubMed 33524517 (cited by Labcorp Genetics (formerly Invitae), Labcorp and Yale Center for Mendelian Genomics, Yale University).

NM_016239.3(MYO15A):c.419dup (p.Phe141Valfs)

Gene: MYO15A (myosin XVA; plus strand). Cytogenetic location: 17p11.2.
Variant type: Duplication.
Coding change: c.419dup on transcript NM_016239.3; coding-DNA position 419, one base duplicated (A; older notation c.419dupA).
Protein change: p.Phe141Valfs; shifts the reading frame from phenylalanine 141.
Molecular consequence: frameshift variant (on NM_016239.4).
Genome position (GRCh38, 1-based): chr17:18,119,219, A duplicated; the last of 6 consecutive A bases (chr17:18,119,214-18,119,219); duplicating any one gives the same sequence. VCF-style (leftmost placement, unchanged base first): chr17-18119213-C-CA. GRCh37 (hg19) VCF-style: chr17-18022527-C-CA.
Other names: c.419dup, p.Phe141fs (NM_016239.4); short protein forms F141fs.
Identifiers: ClinVar variation 522631 (VCV000522631.10), dbSNP rs750130520, ClinGen allele CA658798737.